The following is an entry in ClinVar:

NM_001128205.2(SULF1):c.1256T>G (p.Leu419Arg)

Gene: SULF1 (sulfatase 1; plus strand). Cytogenetic location: 8q13.3.
Variant type: single nucleotide variant.
Coding change: c.1256T>G on transcript NM_001128205.2 (MANE Select); coding-DNA position 1256, T replaced by G.
Protein change: p.Leu419Arg; replaces leucine 419 with arginine.
Molecular consequence: missense variant. On other transcripts: non-coding transcript variant (3).
Genome position (GRCh38, 1-based): chr8:69,604,811, T>G. VCF-style: chr8-69604811-T-G. GRCh37 (hg19) VCF-style: chr8-70517046-T-G.
Other names: c.1256T>G, p.Leu419Arg (NM_001128204.2, NM_001128206.2, NM_015170.3); c.1256T>G (NM_001128205.1); short protein forms L419R.
Identifiers: ClinVar variation 1444124 (VCV001444124.7), dbSNP rs769480668, ClinGen allele CA4775839.

ClinVar aggregate classification (germline): Uncertain significance. Review status: criteria provided, multiple submitters, no conflicts (2 of 4 stars). 2 submissions from 2 submitters: Uncertain significance (2). Last evaluated 2026-01-17.

Allele frequency attached by ClinVar (database versions not stated): TOPMed 0.00006; ExAC 0.00012; gnomAD exomes 0.00014.
gnomAD v4.1: 38 of 1,613,828 alleles (0.0024%); highest among the groups gnomAD compares: Admixed American, 0.062%; no homozygotes.

Submissions (2):

Labcorp Genetics (formerly Invitae), Labcorp
Classification: Uncertain significance. Last evaluated: 2026-01-17. Review status: criteria provided, single submitter. Criteria: Invitae Variant Classification Sherloc (09022015). Collection method: clinical testing. Allele origin: germline.
Comment: This sequence change replaces leucine, which is neutral and non-polar, with arginine, which is basic and polar, at codon 419 of the SULF1 protein (p.Leu419Arg). This variant is present in population databases (rs769480668, gnomAD 0.1%), and has an allele count higher than expected for a pathogenic variant. This variant has not been reported in the literature in individuals affected with SULF1-related conditions. ClinVar contains an entry for this variant (Variation ID: 1444124). An algorithm developed to predict the effect of missense changes on protein structure and function (PolyPhen-2) suggests that this variant is likely to be disruptive. In summary, the available evidence is currently insufficient to determine the role of this variant in disease. Therefore, it has been classified as a Variant of Uncertain Significance.

Ambry Genetics
Classification: Uncertain significance. Last evaluated: 2022-04-25. Review status: criteria provided, single submitter. Criteria: Ambry Variant Classification Scheme 2023. Collection method: clinical testing. Allele origin: germline.